The following continues an entry in ClinVar:

NM_000256.3(MYBPC3):c.821+1G>A

Gene: MYBPC3. ClinVar aggregate classification (germline): Pathogenic/Likely pathogenic. Pathogenic (28); Likely pathogenic (1).

Submissions 10 to 23 of 32:

Blueprint Genetics
Classification: Pathogenic for MYBPC3-related disorders. Last evaluated: 2024-11-08. Review status: criteria provided, single submitter. Criteria: ACMG Guidelines, 2015. Collection method: clinical testing. Allele origin: germline. Affected: yes. Observed: 5 variant alleles.

Molecular Genetics, Royal Melbourne Hospital
Classification: Pathogenic for Hypertrophic cardiomyopathy 4. Last evaluated: 2024-08-05. Review status: criteria provided, single submitter. Criteria: ACMG Guidelines, 2015. Collection method: clinical testing. Allele origin: germline. Inheritance: Autosomal dominant inheritance. Affected: yes.
Comment: This sequence change in MYBPC3 occurs within the canonical splice donor site of intron 7. It is predicted to cause skipping of biologically relevant exon 7/35, resulting in a frameshift leading to nonsense-mediated decay in a gene in which loss-of-function is an established disease mechanism (PMID: 7493026, 9048664, 9562578, 17823372). An RNA splicing assay of individuals with the variant confirms this prediction, demonstrating the skipping of exon 7 and exons 7 and 8 (PMID: 11499719 ). The highest population minor allele frequency in the population database gnomAD v4.1 is 0.002% (2/84,768 alleles) in the South Asian population, consistent with hypertrophic cardiomyopathy (HCM). This is a recurrent variant in individuals with HCM and segregates with disease in multiple families (PMID: 9562578, 11499719, 37652022, 38094187). Based on the classification scheme RMH Modified ACMG/AMP Guidelines v1.7.0, this variant is classified as PATHOGENIC. Following criteria are met: PVS1, PP1_Strong, PM2_Supporting.

Institute of Human Genetics Munich, TUM University Hospital
Classification: Pathogenic for Hypertrophic cardiomyopathy 4. Last evaluated: 2024-05-29. Review status: criteria provided, single submitter. Criteria: Classification criteria August 2017. Collection method: clinical testing. Allele origin: germline. Inheritance: Autosomal dominant inheritance. Affected: yes. Observed: 1 variant allele.

Institute of Human Genetics, FAU Erlangen, Friedrich-Alexander-Universität Erlangen-Nürnberg
Classification: Pathogenic for Hypertrophic cardiomyopathy 4. Last evaluated: 2024-04-10. Review status: criteria provided, single submitter. Criteria: Hauer et al. (Genet Med. 2018). Collection method: clinical testing. Allele origin: germline. Inheritance: Unknown mechanism. Affected: yes. Observed: 1 variant allele.
Comment: This variant has been identified by standard clinical testing. Selected ACMG criteria: Pathogenic (I):PP5;PM2;PVS1

All of Us Research Program, National Institutes of Health
Classification: Pathogenic for Hypertrophic cardiomyopathy. Last evaluated: 2024-03-06. Review status: criteria provided, single submitter. Criteria: ACMG Guidelines, 2015. Collection method: clinical testing. Allele origin: germline. Inheritance: Autosomal dominant inheritance. Observed: 2 variant alleles, 2 heterozygotes.
Comment: This variant (also known as IVS7+1G>A and as Int8DSG+1A) alters the intron 7 canonical splice donor site of the MYBPC3 gene. Functional RNA studies have shown that this variant causes causes skipping of exon 7, or exons 7 and 8 leading to frameshift and a premature stop codon in exon 9 (PMID: 11499719). This variant has been reported in over 10 unrelated individuals affected with hypertrophic cardiomyopathy (PMID: 9562578, 11499718, 11499719, 21959974, 24510615, 26914223, 27532257, 29121657, 30165862; Color internal data). It has been reported to segregate with disease in multiple affected individuals from two families (PMID: 9562578, 11499719). This variant has also been reported in an infant affected with sudden unexplained death (PMID: 35027292) and in an individual affected with dilated cardiomyopathy (PMID: 35581137). This variant has been identified in 5/172994 chromosomes in the general population by the Genome Aggregation Database (gnomAD). Loss of MYBPC3 function is a known mechanism of disease. Based on the available evidence, this variant is classified as Pathogenic.

This study involves interpretation of variants in research participants for the purpose of population health screening. Participant phenotype was not available at the time of variant classification. Additional details can be found in publication PMID: 35346344, PMCID: PMC8962531

Human Genome Sequencing Center Clinical Lab, Baylor College of Medicine
Classification: Pathogenic for hypertrophic cardiomyopathy. Last evaluated: 2023-10-25. Review status: criteria provided, single submitter. Criteria: ACMG Guidelines, 2015. Collection method: clinical testing. Allele origin: unknown.
Comment: The c.821+1G>A variant in the MYBPC3 gene is located in intron 7 at the canonical donor splice site. It is predicted to result in splice donor loss (SpliceAI delta score: 0.87), and disrupted splicing and an aberrant or absent protein product. This variant has been identified in multiple unrelated individuals with hypertrophic cardiomyopathy (PMID: 35176171, 28750076, 33190526, 21959974, 31941943, 12974739, 11499719, 30165862). Loss-of-function variants in MYBPC3 are known to be pathogenic (PMID: 23816408, 7493025, 19574547). Experimental RNA analysis from patient lymphocytes has shown that this variant results in aberrant transcripts due to exon-skipping and frameshift leading to premature stop codon (PMID: 11499719). The variant is reported in ClinVar (ID: 42791). The variant is rare in the general population according to gnomAD (5/172994 chromosomes). Therefore, the c.821+1G>A variant in the MYBPC3 gene has been classified as pathogenic.

CHEO Genetics Diagnostic Laboratory, Children's Hospital of Eastern Ontario
Classification: Pathogenic for Cardiomyopathy. Last evaluated: 2023-06-07. Review status: criteria provided, single submitter. Criteria: ACMG Guidelines, 2015. Collection method: clinical testing. Allele origin: germline.

Institute of Human Genetics, Heidelberg University
Classification: Pathogenic for Hypertrophic cardiomyopathy 4. Last evaluated: 2023-03-13. Review status: criteria provided, single submitter. Criteria: ACMG Variant Classification, Richards et al., 2015, Genet Med. Collection method: clinical testing. Allele origin: germline. Affected: yes.

Ambry Genetics
Classification: Pathogenic for Cardiovascular phenotype. Last evaluated: 2023-02-28. Review status: criteria provided, single submitter. Criteria: Ambry General Variant Classification Scheme_2022. Collection method: clinical testing. Allele origin: germline.
Comment: The c.821+1G>A intronic pathogenic mutation results from a G to A substitution one nucleotide after coding exon 7 of the MYBPC3 gene. This alteration has been reported in multiple families with hypertrophic cardiomyopathy (HCM) and segregated with disease (Niimura H et al. N Engl J Med. 1998;338(18):1248-57; Erdmann J et al. J Am Coll Cardiol. 2001;38(2):322-30). This alteration was also observed in HCM testing cohorts; however, clinical details were limited (Kapplinger JD et al. J Cardiovasc Transl Res. 2014;7(3):347-61; Walsh R et al. Genet. Med., 2017 Feb;19:192-203). In one study, mRNA analysis showed this alteration led to skipping of either exon 7 alone or exons 7 and 8, and both abnormal transcripts resulted in frameshifts and premature stop codons in exon 9 (Erdmann J et al. J Am Coll Cardiol. 2001;38(2):322-30). This nucleotide position is highly conserved in available vertebrate species. In silico splice site analysis predicts that this alteration will weaken the native splice donor site. In addition to the clinical and functional data presented in the literature, alterations that disrupt the canonical splice site are expected to cause aberrant splicing, resulting in an abnormal protein or a transcript that is subject to nonsense-mediated mRNA decay. As such, this alteration is classified as a disease-causing mutation.

MGZ Medical Genetics Center
Classification: Pathogenic for Left ventricular noncompaction 10. Last evaluated: 2022-06-29. Review status: criteria provided, single submitter. Criteria: ACMG Guidelines, 2015. Collection method: clinical testing. Allele origin: germline. Affected: yes. Observed: 1 variant allele.
Comment: ACMG criteria applied: PVS1, PS3, PM2_SUP, PP1

GeneDx
Classification: Pathogenic. Last evaluated: 2022-06-02. Review status: criteria provided, single submitter. Criteria: GeneDx Variant Classification Process June 2021. Collection method: clinical testing. Allele origin: germline. Affected: yes.
Comment: Reported in association with HCM, with several individuals presenting with features of HCM before 30 years of age (Niimura et al., 1998; Erdmann et al., 2001; Erdmann et al., 2003; Olivotto et al., 2008; Bashyam et al., 2012; Coppini et al., 2014; Kapplinger et al., 2014; Viswanathan et al., 2017; Lu et al., 2018; Marschall et al., 2019); Not observed at significant frequency in large population cohorts (gnomAD); Reported to destroy canonical splice donor site of intron 7 and lead to two aberrant splice transcripts, resulting in the skipping of either exon 7 alone, or exons 7 and 8; both transcripts result in a frameshift and premature stop codon in exon 9 (Erdmann et al., 2001).; Multiple other splice site variants in the MYBPC3 gene have been reported in HGMD in association with HCM (HGMD); Canonical splice site variant predicted to result in a null allele in a gene for which loss of function is a known mechanism of disease; This variant is associated with the following publications: (PMID: 26914223, 28750076, 31737537, 25525159, 25524337, 21959974, 21415409, 18533079, 22267749, 9562578, 12974739, 27532257, 29121657, 30165862, 19574547, 31028938, 15519027, 11499718, 32344918, 33190526, 26582918, 24510615, 11499719)

Clinical Genetics Laboratory, Skane University Hospital Lund
Classification: Pathogenic. Last evaluated: 2022-05-27. Review status: criteria provided, single submitter. Criteria: ACMG Guidelines, 2015. Collection method: clinical testing. Allele origin: germline. Affected: yes.

Revvity Omics, Revvity
Classification: Pathogenic. Last evaluated: 2021-12-03. Review status: criteria provided, single submitter. Criteria: ACMG Guidelines, 2015. Collection method: clinical testing. Allele origin: germline.

Robert's Program, Boston Children's Hospital
Classification: Pathogenic for SUDDEN INFANT DEATH SYNDROME. Last evaluated: 2021-10-01. Review status: criteria provided, single submitter. Criteria: ACMG Guidelines, 2015. Collection method: research. Allele origin: germline. Affected: yes.
Comment: We classify this variant as pathogenic using the following ACMG/AMP criteria: PS3, PVS1, PP1, PP5